The following is an entry in ClinVar:

NM_002292.4(LAMB2):c.3059C>A (p.Ala1020Asp)

Gene: LAMB2 (laminin subunit beta 2; minus strand). Cytogenetic location: 3p21.31.
Variant type: single nucleotide variant.
Coding change: c.3059C>A on transcript NM_002292.4 (MANE Select); coding-DNA position 3059, C replaced by A.
Protein change: p.Ala1020Asp; replaces alanine 1020 with aspartic acid.
Molecular consequence: missense variant.
Genome position (GRCh38, 1-based): chr3:49,124,751, G>T on the plus strand (C>A on the coding strand, the complement: LAMB2 is on the minus strand). VCF-style: chr3-49124751-G-T. GRCh37 (hg19) VCF-style: chr3-49162184-G-T.
Other names: short protein forms A1020D.
Identifiers: ClinVar variation 567126 (VCV000567126.6), dbSNP rs780053995, ClinGen allele CA74480003.

ClinVar aggregate classification (germline): Uncertain significance (1 of 4 stars; one submission).

Conditions:
LAMB2-related infantile-onset nephrotic syndrome. Also called: NEPHROTIC SYNDROME, TYPE 5, WITHOUT OCULAR ABNORMALITIES; NEPHROTIC SYNDROME, TYPE 5, WITH OCULAR ABNORMALITIES; Nephrotic Syndrome, type 5. Identifiers: Orphanet 306507, MedGen C3280113, MONDO:0013621, OMIM 614199.
Pierson syndrome. Also called: MICROCORIA-CONGENITAL NEPHROTIC SYNDROME. Identifiers: Orphanet 2670, MedGen C1836876, MONDO:0012184, OMIM 609049.

gnomAD v4.1: 2 of 1,614,206 alleles (0.00012%); highest among the groups gnomAD compares: Non-Finnish European, 0.00017%; no homozygotes.

Submission:

Labcorp Genetics (formerly Invitae), Labcorp
Classification: Uncertain significance for LAMB2-related infantile-onset nephrotic syndrome; Pierson syndrome. Last evaluated: 2022-03-18. Review status: criteria provided, single submitter. Criteria: Invitae Variant Classification Sherloc (09022015). Collection method: clinical testing. Allele origin: germline.
Comment: ClinVar contains an entry for this variant (Variation ID: 567126). Algorithms developed to predict the effect of missense changes on protein structure and function (SIFT, PolyPhen-2, Align-GVGD) all suggest that this variant is likely to be tolerated. In summary, the available evidence is currently insufficient to determine the role of this variant in disease. Therefore, it has been classified as a Variant of Uncertain Significance. This variant has not been reported in the literature in individuals affected with LAMB2-related conditions. This sequence change replaces alanine, which is neutral and non-polar, with aspartic acid, which is acidic and polar, at codon 1020 of the LAMB2 protein (p.Ala1020Asp). This variant is not present in population databases (gnomAD no frequency).